The following is an entry in ClinVar:

NM_000266.3(NDP):c.-370_-369delTC

Gene: NDP (norrin cystine knot growth factor NDP; minus strand). Cytogenetic location: Xp11.3.
Variant type: Microsatellite.
Coding change: c.-370_-369delTC on transcript NM_000266.3; 370 bases upstream of the start codon through 369 bases upstream of the start codon, 2 bases deleted (TC).
Genome position (GRCh38, 1-based): chrX:43,973,465-43,973,466, GA deleted on the plus strand (TC on the coding strand, the reverse complement: NDP is on the minus strand); deleting any 2 consecutive bases within chrX:43,973,465-43,973,477 gives the same sequence; the c. name uses the placement nearest the transcript's 3' end. VCF-style (leftmost placement, unchanged base first): chrX-43973464-GGA-G. GRCh37 (hg19) VCF-style: chrX-43832710-GGA-G.
Identifiers: ClinVar variation 3059887 (VCV003059887.3), dbSNP rs748513311, ClinGen allele CA329486072.
Genomic context (GRCh38, chrX:43,973,464, plus strand): 5'-ATGGCTTGCCTTTTATATTTGCAACACACAAAAGTTAGGACTGTTGTTTAAGCGACACAG[GGA>G]GAGAGAGAGAGGGAGAGAGAGAGGGAGAGAGAGAGAGGGAGAGAGAGAGAGAGAATGTCA-3'

ClinVar aggregate classification (germline): Likely benign. Review status: criteria provided, single submitter (1 of 4 stars). 2 submissions from 2 submitters: Likely benign (1). 1 of the submissions does not count toward it. Last evaluated 2024-11-21.

Conditions:
NDP-related disorder. Also called: NDP-related condition.

Submissions (2):

Blueprint Genetics
Classification: Likely benign. Last evaluated: 2024-11-21. Review status: criteria provided, single submitter. Criteria: ACMG Guidelines, 2015. Collection method: clinical testing. Allele origin: germline.

PreventionGenetics, part of Exact Sciences
Classification: Likely benign for NDP-related condition. Last evaluated: 2020-03-30. Review status: no assertion criteria provided. Collection method: clinical testing. Allele origin: germline. Not counted in ClinVar's aggregate classification.
Comment: This variant is classified as likely benign based on ACMG/AMP sequence variant interpretation guidelines (Richards et al. 2015 PMID: 25741868, with internal and published modifications).